The following is an entry in ClinVar:

NM_001897.5(CSPG4):c.3501C>T (p.His1167=)

Gene: CSPG4 (chondroitin sulfate proteoglycan 4; minus strand). Cytogenetic location: 15q24.2.
Variant type: single nucleotide variant.
Coding change: c.3501C>T on transcript NM_001897.5 (MANE Select); coding-DNA position 3501, C replaced by T.
Protein change: p.His1167=; no amino-acid change (histidine 1167 retained).
Molecular consequence: synonymous variant.
Genome position (GRCh38, 1-based): chr15:75,687,564, G>A on the plus strand (C>T on the coding strand, the complement: CSPG4 is on the minus strand). VCF-style: chr15-75687564-G-A. GRCh37 (hg19) VCF-style: chr15-75979905-G-A.
Identifiers: ClinVar variation 2645570 (VCV002645570.24), dbSNP rs118021045, ClinGen allele CA7670134.
Genomic context (GRCh38, chr15:75,687,564, plus strand): 5'-GAAGGCTGTGGCTGGCTGACCAGCCCGGACTAGCTGTCCCCAGCGAGGGCCAGCTGTGAC[G>A]TGGTAGTGGACCTCATCCCCACTGCGGATGTCGAGGTTGGTGTCCAGGTGGAGCACGGCC-3'
Protein context (NP_001888.2, residues 1157-1177): DIRSGDEVHY[His1167=]VTAGPRWGQL

ClinVar aggregate classification (germline): Likely benign (1 of 4 stars; one submission).

Allele frequency attached by ClinVar (database versions not stated): 1000 Genomes Project 30x 0.00078; 1000 Genomes Project 0.00100; TOPMed 0.00300; gnomAD 0.00315; ExAC 0.00344; gnomAD exomes 0.00457; ESP Exome Variant Server 0.00462.
gnomAD v4.1: 7,162 of 1,610,736 alleles (0.44%); highest among the groups gnomAD compares: Non-Finnish European, 0.5%; 27 homozygotes.

Submission:

CeGaT Center for Human Genetics Tuebingen
Classification: Likely benign. Last evaluated: 2022-10-01. Review status: criteria provided, single submitter. Criteria: CeGaT Center For Human Genetics Tuebingen Variant Classification Criteria Version 2. Collection method: clinical testing. Allele origin: germline. Affected: yes. Observed: 2 variant alleles.
Comment: CSPG4: BP4, BP7